The following is an entry in ClinVar:

ClinVar aggregate classification (germline): Pathogenic (1 of 4 stars; one submission).

Conditions:
Glycogen storage disease, type V (GSD5). Also called: McArdle type glycogen storage disease; PYGM DEFICIENCY; MCARDLE DISEASE; MUSCLE GLYCOGEN PHOSPHORYLASE DEFICIENCY; MYOPHOSPHORYLASE DEFICIENCY. Identifiers: Orphanet 368, MedGen C0017924, MONDO:0009293, OMIM 232600.

Submission:

Labcorp Genetics (formerly Invitae), Labcorp
Classification: Pathogenic for Glycogen storage disease, type V. Last evaluated: 2021-04-06. Review status: criteria provided, single submitter. Criteria: Invitae Variant Classification Sherloc (09022015). Collection method: clinical testing. Allele origin: germline.
Comment: For these reasons, this variant has been classified as Pathogenic. This variant has not been reported in the literature in individuals with PYGM-related conditions. This variant is not present in population databases (ExAC no frequency). This sequence change creates a premature translational stop signal (p.Asp718Glufs*29) in the PYGM gene. It is expected to result in an absent or disrupted protein product. Loss-of-function variants in PYGM are known to be pathogenic (PMID: 8316268, 16786513).

Literature cited by the submitters: PubMed 8316268; PubMed 16786513.

NM_005609.4(PYGM):c.2154del (p.Asp718fs)

Gene: PYGM (glycogen phosphorylase, muscle associated; minus strand). Cytogenetic location: 11q13.1.
Variant type: Deletion.
Coding change: c.2154del on transcript NM_005609.4 (MANE Select); coding-DNA position 2154, one base deleted (T; older notation c.2154delT).
Protein change: p.Asp718fs; shifts the reading frame from aspartic acid 718.
Molecular consequence: frameshift variant.
Genome position (GRCh38, 1-based): chr11:64,750,399, A deleted on the plus strand (T on the coding strand, the reverse complement: PYGM is on the minus strand). VCF-style (leftmost placement, unchanged base first): chr11-64750398-CA-C. GRCh37 (hg19) VCF-style: chr11-64517870-CA-C.
Other names: c.1890del, p.Asp630fs (NM_001164716.1); short protein forms D630fs, D718fs.
Identifiers: ClinVar variation 1351367 (VCV001351367.6), dbSNP rs2135828360, ClinGen allele CA2573147413.